The following is an entry in ClinVar:

ClinVar aggregate classification (germline): Likely benign (1 of 4 stars; one submission).

Submission:

CeGaT Center for Human Genetics Tuebingen
Classification: Likely benign. Last evaluated: 2026-01-01. Review status: criteria provided, single submitter. Criteria: CeGaT Center For Human Genetics Tuebingen Variant Classification Criteria Version 2. Collection method: clinical testing. Allele origin: germline. Affected: yes. Observed: 6 variant alleles.
Comment: MUC5B: BP4, BP7

NM_002458.3(MUC5B):c.6216G>T (p.Thr2072=)

Genes: MUC5B (mucin 5B, oligomeric mucus/gel-forming; plus strand), MUC5B-AS1 (MUC5B antisense RNA 1; minus strand). Cytogenetic location: 11p15.5.
Variant type: single nucleotide variant.
Coding change: c.6216G>T on transcript NM_002458.3 (MANE Select); coding-DNA position 6216, G replaced by T.
Protein change: p.Thr2072=; no amino-acid change (threonine 2072 retained).
Molecular consequence: synonymous variant.
Genome position (GRCh38, 1-based): chr11:1,243,096, G>T. VCF-style: chr11-1243096-G-T. GRCh37 (hg19) VCF-style: chr11-1264326-G-T.
Identifiers: ClinVar variation 2641215 (VCV002641215.24), dbSNP rs201698530, ClinGen allele CA5805949.